The following is an entry in ClinVar:

ClinVar aggregate classification (germline): Uncertain significance (1 of 4 stars; one submission).

Conditions:
Myopathy, proximal, and ophthalmoplegia (CMYO6). Also called: MYOPATHY WITH CONGENITAL JOINT CONTRACTURES, OPHTHALMOPLEGIA, AND RIMMED VACUOLES; INCLUSION BODY MYOPATHY 3, AUTOSOMAL DOMINANT; CONGENITAL MYOPATHY 6 WITH OPHTHALMOPLEGIA. Identifiers: Orphanet 363677, Orphanet 79091, MedGen C1854106, MONDO:0011577, OMIM 605637.

Allele frequency attached by ClinVar (database versions not stated): TOPMed 0.00001; ExAC 0.00003; gnomAD 0.00003 and 0.00004; gnomAD exomes 0.00003 and 0.00004; ESP Exome Variant Server 0.00008.
gnomAD v4.1: 43 of 1,614,052 alleles (0.0027%); highest among the groups gnomAD compares: Non-Finnish European, 0.0017%; no homozygotes.

Submission:

Labcorp Genetics (formerly Invitae), Labcorp
Classification: Uncertain significance for Myopathy, proximal, and ophthalmoplegia. Last evaluated: 2022-08-16. Review status: criteria provided, single submitter. Criteria: Invitae Variant Classification Sherloc (09022015). Collection method: clinical testing. Allele origin: germline.
Comment: Algorithms developed to predict the effect of missense changes on protein structure and function (SIFT, PolyPhen-2, Align-GVGD) all suggest that this variant is likely to be disruptive. ClinVar contains an entry for this variant (Variation ID: 647156). This variant has not been reported in the literature in individuals affected with MYH2-related conditions. This variant is present in population databases (rs146229690, gnomAD 0.03%). This sequence change replaces glycine, which is neutral and non-polar, with serine, which is neutral and polar, at codon 410 of the MYH2 protein (p.Gly410Ser). In summary, the available evidence is currently insufficient to determine the role of this variant in disease. Therefore, it has been classified as a Variant of Uncertain Significance.

NM_017534.6(MYH2):c.1228G>A (p.Gly410Ser)

Genes: MYHAS (myosin heavy chain gene cluster antisense RNA; plus strand), MYH2 (myosin heavy chain 2; minus strand). Cytogenetic location: 17p13.1.
Variant type: single nucleotide variant.
Coding change: c.1228G>A on transcript NM_017534.6 (MANE Select); coding-DNA position 1228, G replaced by A.
Protein change: p.Gly410Ser; replaces glycine 410 with serine.
Molecular consequence: missense variant.
Genome position (GRCh38, 1-based): chr17:10,539,482, C>T on the plus strand (G>A on the coding strand, the complement: MYH2 is on the minus strand). VCF-style: chr17-10539482-C-T. GRCh37 (hg19) VCF-style: chr17-10442799-C-T.
Other names: c.1228G>A, p.Gly410Ser (NM_001100112.2); short protein forms G410S.
Identifiers: ClinVar variation 647156 (VCV000647156.6), dbSNP rs146229690, ClinGen allele CA8391422.